The following is an entry in ClinVar:

ClinVar aggregate classification (germline): Uncertain significance (1 of 4 stars; one submission).

Conditions:
RYR1-related disorder. Also called: RYR1-related condition; RYR1-related disorders. Identifiers: MedGen CN239331.

Allele frequency attached by ClinVar (database versions not stated): TOPMed below 0.00001; gnomAD 0.00001.
gnomAD v4.1: 5 of 1,575,808 alleles (0.00032%); highest among the groups gnomAD compares: Non-Finnish European, 0.00034%; no homozygotes.

Submission:

Labcorp Genetics (formerly Invitae), Labcorp
Classification: Uncertain significance for RYR1-related disorder. Last evaluated: 2022-10-18. Review status: criteria provided, single submitter. Criteria: Invitae Variant Classification Sherloc (09022015). Collection method: clinical testing. Allele origin: germline.
Comment: This variant is not present in population databases (gnomAD no frequency). This sequence change replaces methionine, which is neutral and non-polar, with isoleucine, which is neutral and non-polar, at codon 2608 of the RYR1 protein (p.Met2608Ile). This variant has not been reported in the literature in individuals affected with RYR1-related conditions. ClinVar contains an entry for this variant (Variation ID: 1058259). Advanced modeling of protein sequence and biophysical properties (such as structural, functional, and spatial information, amino acid conservation, physicochemical variation, residue mobility, and thermodynamic stability) performed at Invitae indicates that this missense variant is not expected to disrupt RYR1 protein function. In summary, the available evidence is currently insufficient to determine the role of this variant in disease. Therefore, it has been classified as a Variant of Uncertain Significance.

NM_000540.3(RYR1):c.7824G>A (p.Met2608Ile)

Gene: RYR1 (ryanodine receptor 1; plus strand). Cytogenetic location: 19q13.2.
Variant type: single nucleotide variant.
Coding change: c.7824G>A on transcript NM_000540.3 (MANE Select); coding-DNA position 7824, G replaced by A.
Protein change: p.Met2608Ile; replaces methionine 2608 with isoleucine.
Molecular consequence: missense variant.
Genome position (GRCh38, 1-based): chr19:38,502,716, G>A. VCF-style: chr19-38502716-G-A. GRCh37 (hg19) VCF-style: chr19-38993356-G-A.
Other names: c.7824G>A, p.Met2608Ile (NM_001042723.2); short protein forms M2608I.
Identifiers: ClinVar variation 1058259 (VCV001058259.9), dbSNP rs1568505698, ClinGen allele CA405673028.